The following is an entry in ClinVar:

ClinVar aggregate classification (germline): Uncertain significance (1 of 4 stars; one submission).

Conditions:
Distal hereditary motor neuropathy type 2. Identifiers: Orphanet 139525, MedGen C3711384, MeSH C580044, MONDO:0015352.

Allele frequency attached by ClinVar (database versions not stated): gnomAD exomes below 0.00001.
gnomAD v4.1: 3 of 1,603,274 alleles (0.00019%); highest among the groups gnomAD compares: Non-Finnish European, 0.00026%; no homozygotes.

Submission:

Labcorp Genetics (formerly Invitae), Labcorp
Classification: Uncertain significance for Distal hereditary motor neuropathy type 2. Last evaluated: 2025-10-21. Review status: criteria provided, single submitter. Criteria: Invitae Variant Classification Sherloc (09022015). Collection method: clinical testing. Allele origin: germline.
Comment: This sequence change replaces asparagine, which is neutral and polar, with serine, which is neutral and polar, at codon 418 of the FBXO38 protein (p.Asn418Ser). This variant is not present in population databases (gnomAD no frequency). This variant has not been reported in the literature in individuals affected with FBXO38-related conditions. ClinVar contains an entry for this variant (Variation ID: 2087257). Invitae Evidence Modeling of protein sequence and biophysical properties (such as structural, functional, and spatial information, amino acid conservation, physicochemical variation, residue mobility, and thermodynamic stability) indicates that this missense variant is not expected to disrupt FBXO38 protein function with a negative predictive value of 80%. In summary, the available evidence is currently insufficient to determine the role of this variant in disease. Therefore, it has been classified as a Variant of Uncertain Significance.

NM_205836.3(FBXO38):c.1253A>G (p.Asn418Ser)

Gene: FBXO38 (F-box protein 38; plus strand). Cytogenetic location: 5q32.
Variant type: single nucleotide variant.
Coding change: c.1253A>G on transcript NM_205836.3 (MANE Select); coding-DNA position 1253, A replaced by G.
Protein change: p.Asn418Ser; replaces asparagine 418 with serine.
Molecular consequence: missense variant.
Genome position (GRCh38, 1-based): chr5:148,414,295, A>G. VCF-style: chr5-148414295-A-G. GRCh37 (hg19) VCF-style: chr5-147793858-A-G.
Other names: c.1253A>G, p.Asn418Ser (NM_001271723.2, NM_030793.5); short protein forms N418S.
Identifiers: ClinVar variation 2087257 (VCV002087257.4), dbSNP rs2531755561, ClinGen allele CA361658916.